The following is an entry in ClinVar:

NM_003738.5(PTCH2):c.146G>A (p.Cys49Tyr)

Gene: PTCH2 (patched 2; minus strand). Cytogenetic location: 1p34.1.
Variant type: single nucleotide variant.
Coding change: c.146G>A on transcript NM_003738.5 (MANE Select); coding-DNA position 146, G replaced by A.
Protein change: p.Cys49Tyr; replaces cysteine 49 with tyrosine.
Molecular consequence: missense variant.
Genome position (GRCh38, 1-based): chr1:44,841,966, C>T on the plus strand (G>A on the coding strand, the complement: PTCH2 is on the minus strand). VCF-style: chr1-44841966-C-T. GRCh37 (hg19) VCF-style: chr1-45307638-C-T.
Other names: c.146G>A, p.Cys49Tyr (NM_001166292.2); short protein forms C49Y.
Identifiers: ClinVar variation 3666823 (VCV003666823.2).

ClinVar aggregate classification (germline): Uncertain significance (1 of 4 stars; one submission).

Conditions:
Gorlin syndrome. Also called: Basal cell nevus syndrome; Nevoid Basal Cell Carcinoma Syndrome. Identifiers: Orphanet 377, MedGen C0004779, MONDO:0007187.

Submission:

Labcorp Genetics (formerly Invitae), Labcorp
Classification: Uncertain significance for Gorlin syndrome. Last evaluated: 2024-08-21. Review status: criteria provided, single submitter. Criteria: Invitae Variant Classification Sherloc (09022015). Collection method: clinical testing. Allele origin: germline.
Comment: This sequence change replaces cysteine, which is neutral and slightly polar, with tyrosine, which is neutral and polar, at codon 49 of the PTCH2 protein (p.Cys49Tyr). This variant is not present in population databases (gnomAD no frequency). This variant has not been reported in the literature in individuals affected with PTCH2-related conditions. Invitae Evidence Modeling of protein sequence and biophysical properties (such as structural, functional, and spatial information, amino acid conservation, physicochemical variation, residue mobility, and thermodynamic stability) indicates that this missense variant is not expected to disrupt PTCH2 protein function with a negative predictive value of 80%. In summary, the available evidence is currently insufficient to determine the role of this variant in disease. Therefore, it has been classified as a Variant of Uncertain Significance.